The following is an entry in ClinVar:

ClinVar aggregate classification (germline): Likely benign (1 of 4 stars; one submission).

Conditions:
Charcot-Marie-Tooth disease type 4B1. Also called: CHARCOT-MARIE-TOOTH DISEASE, AUTOSOMAL RECESSIVE, WITH FOCALLY FOLDED MYELIN SHEATHS, AUTOSOMAL RECESSIVE, TYPE 4B1; CHARCOT-MARIE-TOOTH DISEASE, TYPE 4B; Charcot-Marie-Tooth Neuropathy Type 4B1; CHARCOT-MARIE-TOOTH DISEASE, DEMYELINATING, TYPE 4B1. Identifiers: Orphanet 99955, MedGen C1832399, MONDO:0011066, OMIM 601382.

Allele frequency attached by ClinVar (database versions not stated): 1000 Genomes Project 0.00260; gnomAD 0.00295 and 0.00323; 1000 Genomes Project 30x 0.00312; TOPMed 0.00327.

Submission:

Illumina Laboratory Services, Illumina
Classification: Likely benign for Charcot-Marie-Tooth disease type 4B1. Last evaluated: 2018-01-13. Review status: criteria provided, single submitter. Criteria: ICSL Variant Classification Criteria 13 December 2019. Collection method: clinical testing. Allele origin: germline.
Comment: This variant was observed in the ICSL laboratory as part of a predisposition screen in an ostensibly healthy population. It had not been previously curated by ICSL or reported in the Human Gene Mutation Database (HGMD: prior to June 1st, 2018), and was therefore a candidate for classification through an automated scoring system. Utilizing variant allele frequency, disease prevalence and penetrance estimates, and inheritance mode, an automated score was calculated to assess if this variant is too frequent to cause the disease. Based on the score and internal cut-off values, a variant classified as likely benign is not then subjected to further curation. The score for this variant resulted in a classification of likely benign for this disease.

NM_016156.6(MTMR2):c.*837G>A

Gene: MTMR2 (myotubularin related protein 2; minus strand). Cytogenetic location: 11q21.
Variant type: single nucleotide variant.
Coding change: c.*837G>A on transcript NM_016156.6 (MANE Select); 837 bases downstream of the stop codon, G replaced by A.
Molecular consequence: 3 prime UTR variant.
Genome position (GRCh38, 1-based): chr11:95,834,453, C>T on the plus strand (G>A on the coding strand, the complement: MTMR2 is on the minus strand). VCF-style: chr11-95834453-C-T. GRCh37 (hg19) VCF-style: chr11-95567617-C-T.
Other names: c.*837G>A (NM_001243571.2, NM_201278.3, NM_201281.3).
Identifiers: ClinVar variation 306524 (VCV000306524.5), dbSNP rs532069328, ClinGen allele CA10639721.
Genomic context (GRCh38, chr11:95,834,453, plus strand): 5'-ATAAGCTATTTATACAGAATTCAGAAAAAATGTCAATCCTAGTAAGATTTTTAAATACTT[C>T]TTAAAAACTTGCTAATTAGCTTCTGTGTGTTCAGACACACAAGACAAGTGAAATACACTG-3'